The following is an entry in ClinVar:

ClinVar aggregate classification (germline): Conflicting classifications of pathogenicity. Review status: criteria provided, conflicting classifications (1 of 4 stars). 8 submissions from 8 submitters: Uncertain significance (4); Likely benign (1). 3 of the submissions do not count toward it. Last evaluated 2026-01-26.

Conditions:
Hereditary cancer-predisposing syndrome. Also called: Tumor predisposition; Hereditary Cancer Syndrome; Neoplastic Syndromes, Hereditary; Hereditary neoplastic syndrome. Identifiers: Orphanet 140162, MedGen C0027672, MeSH D009386, MONDO:0015356.
Ataxia-telangiectasia syndrome (AT). Also called: Cerebello-oculocutaneous telangiectasia; Immunodeficiency with ataxia telangiectasia; Ataxia telangiectasia (A-T); LOUIS-BAR SYNDROME; ATAXIA-TELANGIECTASIA, COMPLEMENTATION GROUP A; ATAXIA-TELANGIECTASIA, FRESNO VARIANT. Identifiers: Orphanet 100, MedGen C0004135, MONDO:0008840, OMIM 208900.

Allele frequency attached by ClinVar (database versions not stated): ExAC 0.00001; gnomAD 0.00001; TOPMed 0.00001; gnomAD exomes 0.00002.
gnomAD v4.1: 32 of 1,613,380 alleles (0.002%); highest among the groups gnomAD compares: Non-Finnish European, 0.0027%; no homozygotes.

Submissions (8):

Labcorp Genetics (formerly Invitae), Labcorp
Classification: Uncertain significance for Ataxia-telangiectasia syndrome. Last evaluated: 2026-01-26. Review status: criteria provided, single submitter. Criteria: Invitae Variant Classification Sherloc (09022015). Collection method: clinical testing. Allele origin: germline.
Comment: This sequence change replaces isoleucine, which is neutral and non-polar, with phenylalanine, which is neutral and non-polar, at codon 1804 of the ATM protein (p.Ile1804Phe). This variant is present in population databases (rs769872474, gnomAD 0.004%). This missense change has been observed in individual(s) with breast cancer (PMID: 19781682, 28779002, 29596542, 34326862). ClinVar contains an entry for this variant (Variation ID: 219462). Invitae Evidence Modeling of protein sequence and biophysical properties (such as structural, functional, and spatial information, amino acid conservation, physicochemical variation, residue mobility, and thermodynamic stability) indicates that this missense variant is not expected to disrupt ATM protein function with a negative predictive value of 95%. In summary, the available evidence is currently insufficient to determine the role of this variant in disease. Therefore, it has been classified as a Variant of Uncertain Significance.

GeneDx
Classification: Uncertain significance. Last evaluated: 2025-02-19. Review status: criteria provided, single submitter. Criteria: GeneDx Variant Classification Process June 2021. Collection method: clinical testing. Allele origin: germline. Affected: yes.
Comment: Observed in individuals with breast cancer and colon cancer (PMID: 16832357, 19781682, 28779002, 29596542, 34326862); Not observed at significant frequency in large population cohorts (gnomAD); In silico analysis indicates that this missense variant does not alter protein structure/function; This variant is associated with the following publications: (PMID: 34326862, 19781682, 28779002, 29596542, 16832357, 35585550)

Ambry Genetics
Classification: Likely benign for Hereditary cancer-predisposing syndrome. Last evaluated: 2024-01-03. Review status: criteria provided, single submitter. Criteria: Ambry Variant Classification Scheme 2023. Collection method: clinical testing. Allele origin: germline.

Sema4
Classification: Uncertain significance for Hereditary cancer-predisposing syndrome. Last evaluated: 2021-07-20. Review status: criteria provided, single submitter. Criteria: Sema4 Curation Guidelines. Collection method: curation. Allele origin: germline.
Comment: The ATM c.5410A>T (p.I1804F) variant has been reported in 2 individuals with breast cancer, one individual with colorectal carcinoma (PMIDs 19781682, 28779002, 29596542), and as a somatic variant in an individual with breast cancer (doi: 10.25259/IJMIO_25_2020). It was observed in 4/113482 chromosomes of the Non-Finnish European subpopulation, with no homozygotes, in the large and broad cohorts of the Genome Aggregation Database (PMID: 32461654). This variant has been reported in ClinVar (Variation ID 219462). In silico tools suggest the impact of the variant on protein function is benign, though these predictions have not been confirmed by functional studies. The overall evidence is insufficient to meet ACMG/AMP criteria for classifying it as benign or pathogenic. In summary, the clinical significance of this variant is currently uncertain.

Color Diagnostics, LLC DBA Color Health
Classification: Uncertain significance for Hereditary cancer-predisposing syndrome. Last evaluated: 2019-01-26. Review status: criteria provided, single submitter. Criteria: ACMG Guidelines, 2015. Collection method: clinical testing. Allele origin: germline.

Institute for Biomarker Research, Medical Diagnostic Laboratories, L.L.C.
Classification: Uncertain significance for Hereditary cancer-predisposing syndrome. Last evaluated: 2021-09-27. Review status: no assertion criteria provided. Collection method: clinical testing. Allele origin: germline. Not counted in ClinVar's aggregate classification.

Natera, Inc.
Classification: Uncertain significance for Ataxia-telangiectasia. Last evaluated: 2020-07-23. Review status: no assertion criteria provided. Collection method: clinical testing. Allele origin: germline. Not counted in ClinVar's aggregate classification.

Counsyl
Classification: Uncertain significance for Ataxia-telangiectasia syndrome. Last evaluated: 2018-05-11. Review status: no assertion criteria provided. Collection method: clinical testing. Allele origin: unknown. Not counted in ClinVar's aggregate classification.

Literature cited by the submitters: PubMed 19781682 (cited by Labcorp Genetics (formerly Invitae), Labcorp and Ambry Genetics); PubMed 28779002 (cited by Labcorp Genetics (formerly Invitae), Labcorp and Ambry Genetics); PubMed 29596542 (cited by Labcorp Genetics (formerly Invitae), Labcorp and Ambry Genetics); PubMed 34326862 (cited by Labcorp Genetics (formerly Invitae), Labcorp).

NM_000051.4(ATM):c.5410A>T (p.Ile1804Phe)

Gene: ATM (ATM serine/threonine kinase; plus strand). Cytogenetic location: 11q22.3.
Variant type: single nucleotide variant.
Coding change: c.5410A>T on transcript NM_000051.4 (MANE Select); coding-DNA position 5410, A replaced by T.
Protein change: p.Ile1804Phe; replaces isoleucine 1804 with phenylalanine.
Molecular consequence: missense variant.
Genome position (GRCh38, 1-based): chr11:108,302,943, A>T. VCF-style: chr11-108302943-A-T. GRCh37 (hg19) VCF-style: chr11-108173670-A-T.
Other names: c.5410A>T, p.Ile1804Phe (NM_001351834.2); short protein forms I1804F.
Identifiers: ClinVar variation 219462 (VCV000219462.30), dbSNP rs769872474, ClinGen allele CA349227.